The following is an entry in ClinVar:

ClinVar aggregate classification (germline): Uncertain significance. Review status: criteria provided, multiple submitters, no conflicts (2 of 4 stars). 3 submissions from 3 submitters: Uncertain significance (3). Last evaluated 2024-09-18.

Conditions:
Schizophrenia 4 (SCZD4). Also called: SCHIZOPHRENIA SUSCEPTIBILITY LOCUS, CHROMOSOME 22q11-RELATED; SCHIZOPHRENIA, SUSCEPTIBILITY TO, 4. Identifiers: MedGen C1833247, MONDO:0010943, OMIM 600850.
Proline dehydrogenase deficiency (HYRPRO1). Also called: Hyperprolinemia type 1; PROLINE OXIDASE DEFICIENCY. Identifiers: Orphanet 419, MedGen C0268529, MONDO:0009400, OMIM 239500.

Allele frequency attached by ClinVar (database versions not stated): TOPMed 0.00006; ESP Exome Variant Server 0.00008.

Submissions (3):

Blueprint Genetics
Classification: Uncertain significance. Last evaluated: 2024-09-18. Review status: criteria provided, single submitter. Criteria: ACMG Guidelines, 2015. Collection method: clinical testing. Allele origin: germline.

Fulgent Genetics
Classification: Uncertain significance for Proline dehydrogenase deficiency; Schizophrenia 4. Last evaluated: 2023-12-21. Review status: criteria provided, single submitter. Criteria: ACMG Guidelines, 2015. Collection method: clinical testing. Allele origin: germline.

Labcorp Genetics (formerly Invitae), Labcorp
Classification: Uncertain significance for Proline dehydrogenase deficiency. Last evaluated: 2022-06-05. Review status: criteria provided, single submitter. Criteria: Invitae Variant Classification Sherloc (09022015). Collection method: clinical testing. Allele origin: germline.
Comment: This sequence change replaces proline, which is neutral and non-polar, with leucine, which is neutral and non-polar, at codon 388 of the PRODH protein (p.Pro388Leu). This variant is present in population databases (rs147233639, gnomAD 0.01%). This variant has not been reported in the literature in individuals affected with PRODH-related conditions. ClinVar contains an entry for this variant (Variation ID: 459908). Algorithms developed to predict the effect of missense changes on protein structure and function are either unavailable or do not agree on the potential impact of this missense change (SIFT: "Deleterious"; PolyPhen-2: "Possibly Damaging"; Align-GVGD: "Class C0"). In summary, the available evidence is currently insufficient to determine the role of this variant in disease. Therefore, it has been classified as a Variant of Uncertain Significance.

NM_016335.6(PRODH):c.1163C>T (p.Pro388Leu)

Gene: PRODH (proline dehydrogenase 1; minus strand). Cytogenetic location: 22q11.21.
Variant type: single nucleotide variant.
Coding change: c.1163C>T on transcript NM_016335.6 (MANE Select); coding-DNA position 1163, C replaced by T.
Protein change: p.Pro388Leu; replaces proline 388 with leucine.
Molecular consequence: missense variant.
Genome position (GRCh38, 1-based): chr22:18,919,539, G>A on the plus strand (C>T on the coding strand, the complement: PRODH is on the minus strand). VCF-style: chr22-18919539-G-A. GRCh37 (hg19) VCF-style: chr22-18907052-G-A.
Other names: c.839C>T, p.Pro280Leu (NM_001195226.2); short protein forms P388L, P280L.
Identifiers: ClinVar variation 459908 (VCV000459908.9), dbSNP rs147233639, ClinGen allele CA10095052.